The following is an entry in ClinVar:

ClinVar aggregate classification (germline): Uncertain significance (1 of 4 stars; one submission).

gnomAD v4.1: 1 of 1,352,034 alleles (0.000074%); highest among the groups gnomAD compares: Non-Finnish European, 0.000094%; no homozygotes.

Submission:

Ambry Genetics
Classification: Uncertain significance. Last evaluated: 2025-02-05. Review status: criteria provided, single submitter. Criteria: Ambry Variant Classification Scheme 2023. Collection method: clinical testing. Allele origin: germline.
Comment: The p.P116L variant (also known as c.347C>T), located in coding exon 1 of the WNK2 gene, results from a C to T substitution at nucleotide position 347. The proline at codon 116 is replaced by leucine, an amino acid with similar properties. This amino acid position is conserved. In addition, this alteration is predicted to be tolerated by in silico analysis. Based on the available evidence, the clinical significance of this variant remains unclear.

NM_006648.4(WNK2):c.347C>T (p.Pro116Leu)

Gene: WNK2 (WNK lysine deficient protein kinase 2; plus strand). Cytogenetic location: 9q22.31.
Variant type: single nucleotide variant.
Coding change: c.347C>T on transcript NM_006648.4 (MANE Select); coding-DNA position 347, C replaced by T.
Protein change: p.Pro116Leu; replaces proline 116 with leucine.
Molecular consequence: missense variant.
Genome position (GRCh38, 1-based): chr9:93,185,276, C>T. VCF-style: chr9-93185276-C-T. GRCh37 (hg19) VCF-style: chr9-95947558-C-T.
Other names: c.347C>T, p.Pro116Leu (NM_001282394.3); short protein forms P116L.
Identifiers: ClinVar variation 3817012 (VCV003817012.1).